The following is an entry in ClinVar:

ClinVar aggregate classification (germline): Pathogenic (1 of 4 stars; one submission).

Submission:

Ambry Genetics
Classification: Pathogenic. Last evaluated: 2025-07-23. Review status: criteria provided, single submitter. Criteria: Ambry Variant Classification Scheme 2023. Collection method: clinical testing. Allele origin: germline.
Comment: The c.3767delT (p.L1256Rfs*32) alteration, located in exon 7 (coding exon 6) of the ZFHX3 gene, consists of a deletion of one nucleotide at position 3767, causing a translational frameshift with a predicted alternate stop codon after 32 amino acids. This alteration is expected to result in loss of function by premature protein truncation or nonsense-mediated mRNA decay. This variant was not reported in population-based cohorts in the Genome Aggregation Database (gnomAD). Based on the available evidence, this alteration is classified as pathogenic.

NM_006885.4(ZFHX3):c.3767del (p.Leu1256fs)

Genes: ZFHX3 (zinc finger homeobox 3; minus strand), ZFHX3-AS1 (ZFHX3 antisense RNA 1; plus strand). Cytogenetic location: 16q22.3.
Variant type: Deletion.
Coding change: c.3767del on transcript NM_006885.4 (MANE Select); coding-DNA position 3767, one base deleted (T; older notation c.3767delT).
Protein change: p.Leu1256fs; shifts the reading frame from leucine 1256.
Molecular consequence: frameshift variant.
Genome position (GRCh38, 1-based): chr16:72,811,674, A deleted on the plus strand (T on the coding strand, the reverse complement: ZFHX3 is on the minus strand). VCF-style (leftmost placement, unchanged base first): chr16-72811673-CA-C. GRCh37 (hg19) VCF-style: chr16-72845572-CA-C.
Other names: c.1025del, p.Leu342fs (NM_001164766.2); c.3767del, p.Leu1256fs (NM_001386735.1); short protein forms L1256fs, L342fs.
Identifiers: ClinVar variation 4205117 (VCV004205117.1).